The following is an entry in ClinVar:

NM_003718.5(CDK13):c.2544-16G>A

Gene: CDK13 (cyclin dependent kinase 13; plus strand). Cytogenetic location: 7p14.1.
Variant type: single nucleotide variant.
Coding change: c.2544-16G>A on transcript NM_003718.5 (MANE Select); 16 bases into the intron before coding-DNA position 2544, G replaced by A.
Molecular consequence: intron variant.
Genome position (GRCh38, 1-based): chr7:40,047,805, G>A. VCF-style: chr7-40047805-G-A. GRCh37 (hg19) VCF-style: chr7-40087404-G-A.
Other names: c.2544-16G>A (NM_031267.3).
Identifiers: ClinVar variation 2573510 (VCV002573510.1), dbSNP rs2483947115, ClinGen allele CA2580615877.

ClinVar aggregate classification (germline): Uncertain significance (1 of 4 stars; one submission).

Submission:

Women's Health and Genetics/Laboratory Corporation of America, LabCorp
Classification: Uncertain significance. Last evaluated: 2023-06-27. Review status: criteria provided, single submitter. Criteria: LabCorp Variant Classification Summary - May 2015. Collection method: clinical testing. Allele origin: germline.
Comment: Variant summary: CDK13 c.2544-16G>A alters a conserved nucleotide located close to a canonical splice site and therefore could affect mRNA splicing, leading to a significantly altered protein sequence. 4/4 computational tools predict no significant impact on normal splicing. However, these predictions have yet to be confirmed by functional studies. The variant was absent in 251110 control chromosomes. The available data on variant occurrences in the general population are insufficient to allow any conclusion about variant significance. To our knowledge, no occurrence of c.2544-16G>A in individuals affected with Congenital Heart Defects, Dysmorphic Facial Features, And Intellectual Developmental Disorder and no experimental evidence demonstrating its impact on protein function have been reported. No submitters have cited clinical-significance assessments for this variant to ClinVar after 2014. Based on the evidence outlined above, the variant was classified as uncertain significance.